The following is an entry in ClinVar:

NM_000222.3(KIT):c.2160G>A (p.Glu720=)

Gene: KIT (KIT proto-oncogene, receptor tyrosine kinase; plus strand). Cytogenetic location: 4q12.
Variant type: single nucleotide variant.
Coding change: c.2160G>A on transcript NM_000222.3 (MANE Select); coding-DNA position 2160, G replaced by A.
Protein change: p.Glu720=; no amino-acid change (glutamic acid 720 retained).
Molecular consequence: synonymous variant.
Genome position (GRCh38, 1-based): chr4:54,731,346, G>A. VCF-style: chr4-54731346-G-A. GRCh37 (hg19) VCF-style: chr4-55597512-G-A.
Other names: c.2148G>A, p.Glu716= (NM_001093772.2, NM_001385292.1); c.2163G>A, p.Glu721= (NM_001385284.1); c.2157G>A, p.Glu719= (NM_001385285.1); c.2145G>A, p.Glu715= (NM_001385286.1); c.2151G>A, p.Glu717= (NM_001385288.1); c.2160G>A, p.Glu720= (NM_001385290.1).
Identifiers: ClinVar variation 458909 (VCV000458909.16), dbSNP rs372359131, ClinGen allele CA2923673.

ClinVar aggregate classification (germline): Benign/Likely benign. Review status: criteria provided, multiple submitters, no conflicts (2 of 4 stars). 4 submissions from 4 submitters: Benign (1); Likely benign (3). Last evaluated 2026-06-04.

Conditions:
Hereditary cancer-predisposing syndrome. Also called: Neoplastic Syndromes, Hereditary; Hereditary Cancer Syndrome; Hereditary neoplastic syndrome; Tumor predisposition. Identifiers: Orphanet 140162, MedGen C0027672, MeSH D009386, MONDO:0015356.
Gastrointestinal stromal tumor. Also called: Gastrointestinal stromal tumor, somatic; Gastrointestinal stroma tumor. Identifiers: Orphanet 44890, MedGen C0238198, MeSH D046152, MONDO:0011719, OMIM 606764, HP:0100723.

Allele frequency attached by ClinVar (database versions not stated): ExAC 0.00001; gnomAD 0.00001 and 0.00002; gnomAD exomes 0.00001 and 0.00002; TOPMed 0.00001; ESP Exome Variant Server 0.00015.
gnomAD v4.1: 24 of 1,613,004 alleles (0.0015%); highest among the groups gnomAD compares: Non-Finnish European, 0.002%; no homozygotes.

Submissions (4):

Myriad Genetics, Inc.
Classification: Benign for Gastrointestinal stromal tumor. Last evaluated: 2026-06-04. Review status: criteria provided, single submitter. Criteria: Myriad Autosomal Dominant, Autosomal Recessive and X-Linked Classification Criteria (2023). Collection method: clinical testing. Allele origin: unknown.
Comment: This variant is considered benign. This variant is a silent/synonymous amino acid change and it is not expected to impact splicing.

Labcorp Genetics (formerly Invitae), Labcorp
Classification: Likely benign for Gastrointestinal stromal tumor. Last evaluated: 2026-01-13. Review status: criteria provided, single submitter. Criteria: Invitae Variant Classification Sherloc (09022015). Collection method: clinical testing. Allele origin: germline.

Blueprint Genetics
Classification: Likely benign. Last evaluated: 2023-10-06. Review status: criteria provided, single submitter. Criteria: ACMG Guidelines, 2015. Collection method: clinical testing. Allele origin: germline.

Ambry Genetics
Classification: Likely benign for Hereditary cancer-predisposing syndrome. Last evaluated: 2022-02-15. Review status: criteria provided, single submitter. Criteria: Ambry Variant Classification Scheme 2023. Collection method: clinical testing. Allele origin: germline.